The following is an entry in ClinVar:

NM_003835.4(RGS9):c.1521C>T (p.Phe507=)

Gene: RGS9 (regulator of G protein signaling 9; plus strand). Cytogenetic location: 17q24.1.
Variant type: single nucleotide variant.
Coding change: c.1521C>T on transcript NM_003835.4 (MANE Select); coding-DNA position 1521, C replaced by T.
Protein change: p.Phe507=; no amino-acid change (phenylalanine 507 retained).
Molecular consequence: synonymous variant.
Genome position (GRCh38, 1-based): chr17:65,225,115, C>T. VCF-style: chr17-65225115-C-T. GRCh37 (hg19) VCF-style: chr17-63221233-C-T.
Other names: c.1512C>T, p.Phe504= (NM_001081955.3); c.1521C>T (NM_003835.3).
Identifiers: ClinVar variation 1452328 (VCV001452328.10), dbSNP rs538728807, ClinGen allele CA8718082.
Genomic context (GRCh38, chr17:65,225,115, plus strand): 5'-CATGCCCCCGTCTCCTTCTAGCCCCTTCTCCTCCTCCTGCCGCTCCCCCAGGAAGCCTTT[C>T]GCCTCACCCAGCCGCTTCATCCGGCGACCCAGCACCACCATCTGCCCCTCACCCATCAGA-3'
Protein context (NP_003826.2, residues 497-517): SSSCRSPRKP[Phe507=]ASPSRFIRRP

ClinVar aggregate classification (germline): Likely benign. Review status: criteria provided, multiple submitters, no conflicts (2 of 4 stars). 3 submissions from 3 submitters: Likely benign (3). Last evaluated 2024-11-09.

Conditions:
RGS9-related disorder. Also called: RGS9-related condition.

gnomAD v4.1: 18 of 1,613,784 alleles (0.0011%); highest among the groups gnomAD compares: East Asian, 0.0022%; no homozygotes.

Submissions (3):

PreventionGenetics, part of Exact Sciences
Classification: Likely benign for RGS9-related condition. Last evaluated: 2024-11-09. Review status: criteria provided, single submitter. Criteria: ACMG Guidelines, 2015. Collection method: clinical testing. Allele origin: germline.
Comment: This variant is classified as likely benign based on ACMG/AMP sequence variant interpretation guidelines (Richards et al. 2015 PMID: 25741868, with internal and published modifications).

Labcorp Genetics (formerly Invitae), Labcorp
Classification: Likely benign. Last evaluated: 2022-11-28. Review status: criteria provided, single submitter. Criteria: Invitae Variant Classification Sherloc (09022015). Collection method: clinical testing. Allele origin: germline.

Blueprint Genetics
Classification: Likely benign. Last evaluated: 2019-12-11. Review status: criteria provided, single submitter. Criteria: ACMG Guidelines, 2015. Collection method: clinical testing. Allele origin: germline.